The following is an entry in ClinVar:

ClinVar aggregate classification (germline): Uncertain significance (1 of 4 stars; one submission).

Conditions:
Long QT syndrome (LQTS). Identifiers: MedGen C0023976, MeSH D008133, MONDO:0002442. Disease mechanism: loss of function. Inheritance: Various modes of inheritance.

gnomAD v4.1: 11 of 1,614,152 alleles (0.00068%); highest among the groups gnomAD compares: Non-Finnish European, 0.00093%; no homozygotes.

Submission:

Labcorp Genetics (formerly Invitae), Labcorp
Classification: Uncertain significance for Long QT syndrome. Last evaluated: 2024-02-12. Review status: criteria provided, single submitter. Criteria: Invitae Variant Classification Sherloc (09022015). Collection method: clinical testing. Allele origin: germline.
Comment: This sequence change replaces serine, which is neutral and polar, with cysteine, which is neutral and slightly polar, at codon 2172 of the ANK2 protein (p.Ser2172Cys). This variant is not present in population databases (gnomAD no frequency). This variant has not been reported in the literature in individuals affected with ANK2-related conditions. An algorithm developed to predict the effect of missense changes on protein structure and function (PolyPhen-2) suggests that this variant is likely to be disruptive. In summary, the available evidence is currently insufficient to determine the role of this variant in disease. Therefore, it has been classified as a Variant of Uncertain Significance.

NM_001148.6(ANK2):c.6514A>T (p.Ser2172Cys)

Gene: ANK2 (ankyrin 2; plus strand). Cytogenetic location: 4q26.
Variant type: single nucleotide variant.
Coding change: c.6514A>T on transcript NM_001148.6 (MANE Select); coding-DNA position 6514, A replaced by T.
Protein change: p.Ser2172Cys; replaces serine 2172 with cysteine.
Molecular consequence: missense variant. On other transcripts: intron variant (68).
Genome position (GRCh38, 1-based): chr4:113,355,132, A>T. VCF-style: chr4-113355132-A-T. GRCh37 (hg19) VCF-style: chr4-114276288-A-T.
Other names: c.6280A>T, p.Ser2094Cys (NM_001386142.1); c.2914A>T, p.Ser972Cys (NM_001386166.1); c.6655A>T, p.Ser2219Cys (NM_001386174.1); c.6631A>T, p.Ser2211Cys (NM_001386175.1); c.4411+4883A>T (NM_001386186.2, NM_001386148.2); c.4213+4883A>T (NM_001354269.3); c.4291+4883A>T (NM_001386187.2); c.4252+4883A>T (NM_001386147.1); and 35 more; short protein forms S2211C, S2219C, S972C, S2094C, S2172C.
Identifiers: ClinVar variation 3638818 (VCV003638818.2).
Genomic context (GRCh38, chr4:113,355,132, plus strand): 5'-CAATTCCGCCTGAGTGAGGAGACAGAAAAGGCACAGCTTCACTTAGACCAAGTACTCACT[A>T]GTCCTTTCAACACAACATTTCCACTCGACTACATGAAAGATGAGTTCCTTCCAGCTCTGT-3'
Protein context (NP_001139.3, residues 2162-2182): AQLHLDQVLT[Ser2172Cys]PFNTTFPLDY